The following is an entry in ClinVar:

NM_000222.3(KIT):c.1261C>T (p.Leu421Phe)

Gene: KIT (KIT proto-oncogene, receptor tyrosine kinase; plus strand). Cytogenetic location: 4q12.
Variant type: single nucleotide variant.
Coding change: c.1261C>T on transcript NM_000222.3 (MANE Select); coding-DNA position 1261, C replaced by T.
Protein change: p.Leu421Phe; replaces leucine 421 with phenylalanine.
Molecular consequence: missense variant.
Genome position (GRCh38, 1-based): chr4:54,723,613, C>T. VCF-style: chr4-54723613-C-T. GRCh37 (hg19) VCF-style: chr4-55589779-C-T.
Other names: c.1261C>T, p.Leu421Phe (NM_001093772.2, NM_001385285.1, NM_001385286.1); c.1264C>T, p.Leu422Phe (NM_001385284.1, NM_001385288.1, NM_001385290.1 and 1 more transcripts); short protein forms L421F, L422F.
Identifiers: ClinVar variation 578309 (VCV000578309.12), dbSNP rs1560414379, ClinGen allele CA356905437.

ClinVar aggregate classification (germline): Conflicting classifications of pathogenicity. Review status: criteria provided, conflicting classifications (1 of 4 stars). 2 submissions from 2 submitters: Uncertain significance (1); Likely benign (1). Last evaluated 2025-09-10.

Conditions:
Gastrointestinal stromal tumor. Also called: Gastrointestinal stromal tumor, somatic; Gastrointestinal stroma tumor. Identifiers: Orphanet 44890, MedGen C0238198, MeSH D046152, MONDO:0011719, OMIM 606764, HP:0100723.
Hereditary cancer-predisposing syndrome. Also called: Hereditary Cancer Syndrome; Tumor predisposition; Neoplastic Syndromes, Hereditary; Hereditary neoplastic syndrome. Identifiers: Orphanet 140162, MedGen C0027672, MeSH D009386, MONDO:0015356.

Allele frequency attached by ClinVar (database versions not stated): gnomAD exomes below 0.00001.
gnomAD v4.1: 3 of 1,614,024 alleles (0.00019%); highest among the groups gnomAD compares: Non-Finnish European, 0.00017%; no homozygotes.

Submissions (2):

Ambry Genetics
Classification: Likely benign for Hereditary cancer-predisposing syndrome. Last evaluated: 2025-09-10. Review status: criteria provided, single submitter. Criteria: Ambry Variant Classification Scheme 2023. Collection method: clinical testing. Allele origin: germline.

Labcorp Genetics (formerly Invitae), Labcorp
Classification: Uncertain significance for Gastrointestinal stromal tumor. Last evaluated: 2019-11-22. Review status: criteria provided, single submitter. Criteria: Invitae Variant Classification Sherloc (09022015). Collection method: clinical testing. Allele origin: germline.
Comment: In summary, the available evidence is currently insufficient to determine the role of this variant in disease. Therefore, it has been classified as a Variant of Uncertain Significance. Algorithms developed to predict the effect of sequence changes on RNA splicing suggest that this variant may create or strengthen a splice site, but this prediction has not been confirmed by published transcriptional studies. Algorithms developed to predict the effect of missense changes on protein structure and function are either unavailable or do not agree on the potential impact of this missense change (SIFT: "Tolerated"; PolyPhen-2: "Probably Damaging"; Align-GVGD: "Class C0"). This variant has not been reported in the literature in individuals with KIT-related disease. This variant is not present in population databases (ExAC no frequency). This sequence change replaces leucine with phenylalanine at codon 421 of the KIT protein (p.Leu421Phe). The leucine residue is highly conserved and there is a small physicochemical difference between leucine and phenylalanine.